The following is an entry in ClinVar:

NM_001048174.2(MUTYH):c.1546C>G (p.Leu516Val)

Gene: MUTYH (mutY DNA glycosylase; minus strand). Cytogenetic location: 1p34.1.
Variant type: single nucleotide variant.
Coding change: c.1546C>G on transcript NM_001048174.2 (MANE Select); coding-DNA position 1546, C replaced by G.
Protein change: p.Leu516Val; replaces leucine 516 with valine.
Molecular consequence: missense variant. On other transcripts: non-coding transcript variant (2).
Genome position (GRCh38, 1-based): chr1:45,329,326, G>C on the plus strand (C>G on the coding strand, the complement: MUTYH is on the minus strand). VCF-style: chr1-45329326-G-C. GRCh37 (hg19) VCF-style: chr1-45794998-G-C.
Other names: c.1546C>G, p.Leu516Val (NM_001048171.2, NM_001048173.2, NM_001293195.2); c.1549C>G, p.Leu517Val (NM_001048172.2); c.1630C>G, p.Leu544Val (NM_001128425.2); c.1591C>G, p.Leu531Val (NM_001293190.2); c.1579C>G, p.Leu527Val (NM_001293191.2); c.1270C>G, p.Leu424Val (NM_001293192.2, NM_001293196.2); c.1201C>G, p.Leu401Val (NM_001350650.2, NM_001350651.2); c.1621C>G, p.Leu541Val (NM_012222.3); and 1 more; short protein forms L516V, L541V, L424V, L527V, L531V, L401V, L517V, L544V.
Identifiers: ClinVar variation 1446095 (VCV001446095.7), dbSNP rs930407042, ClinGen allele CA21833301.

ClinVar aggregate classification (germline): Uncertain significance. Review status: criteria provided, multiple submitters, no conflicts (2 of 4 stars). 2 submissions from 2 submitters: Uncertain significance (2). Last evaluated 2025-08-27.

Conditions:
Hereditary cancer-predisposing syndrome. Also called: Hereditary Cancer Syndrome; Neoplastic Syndromes, Hereditary; Hereditary neoplastic syndrome; Tumor predisposition. Identifiers: Orphanet 140162, MedGen C0027672, MeSH D009386, MONDO:0015356.
Familial adenomatous polyposis 2. Also called: COLORECTAL ADENOMATOUS POLYPOSIS, AUTOSOMAL RECESSIVE; ADENOMAS, MULTIPLE COLORECTAL, AUTOSOMAL RECESSIVE; MUTYH-associated polyposis; MUTYH Polyposis; Adenomas, multiple colorectal; MUTYH-related attenuated familial adenomatous polyposis. Identifiers: Orphanet 220460, Orphanet 247798, MedGen C3272841, MONDO:0012041, OMIM 608456.

Submissions (2):

Ambry Genetics
Classification: Uncertain significance for Hereditary cancer-predisposing syndrome. Last evaluated: 2025-08-27. Review status: criteria provided, single submitter. Criteria: Ambry Variant Classification Scheme 2023. Collection method: clinical testing. Allele origin: germline.
Comment: The p.L544V variant (also known as c.1630C>G), located in coding exon 16 of the MUTYH gene, results from a C to G substitution at nucleotide position 1630. The leucine at codon 544 is replaced by valine, an amino acid with highly similar properties. This amino acid position is conserved. In addition, this alteration is predicted to be tolerated by in silico analysis. Based on the available evidence, the clinical significance of this variant remains unclear.

Labcorp Genetics (formerly Invitae), Labcorp
Classification: Uncertain significance for Familial adenomatous polyposis 2. Last evaluated: 2024-02-05. Review status: criteria provided, single submitter. Criteria: Invitae Variant Classification Sherloc (09022015). Collection method: clinical testing. Allele origin: germline.
Comment: This sequence change replaces leucine, which is neutral and non-polar, with valine, which is neutral and non-polar, at codon 544 of the MUTYH protein (p.Leu544Val). This variant is not present in population databases (gnomAD no frequency). This variant has not been reported in the literature in individuals affected with MUTYH-related conditions. ClinVar contains an entry for this variant (Variation ID: 1446095). An algorithm developed to predict the effect of missense changes on protein structure and function (PolyPhen-2) suggests that this variant is likely to be tolerated. In summary, the available evidence is currently insufficient to determine the role of this variant in disease. Therefore, it has been classified as a Variant of Uncertain Significance.